The following is an entry in ClinVar:

ClinVar aggregate classification (germline): Uncertain significance. Review status: criteria provided, multiple submitters, no conflicts (2 of 4 stars). 2 submissions from 2 submitters: Uncertain significance (2). Last evaluated 2026-04-01.

Conditions:
Charcot-Marie-Tooth disease type 2. Also called: Charcot-Marie-Tooth type 2. Identifiers: Orphanet 64746, MedGen C0270914, MONDO:0018993.
Inborn genetic diseases. Identifiers: MedGen C0950123, MeSH D030342.

Submissions (2):

Ambry Genetics
Classification: Uncertain significance for Inborn genetic diseases. Last evaluated: 2026-04-01. Review status: criteria provided, single submitter. Criteria: Ambry Variant Classification Scheme 2023. Collection method: clinical testing. Allele origin: germline.

Labcorp Genetics (formerly Invitae), Labcorp
Classification: Uncertain significance for Charcot-Marie-Tooth disease type 2. Last evaluated: 2020-11-24. Review status: criteria provided, single submitter. Criteria: Invitae Variant Classification Sherloc (09022015). Collection method: clinical testing. Allele origin: germline.
Comment: This sequence change replaces proline with serine at codon 295 of the BSCL2 protein (p.Pro295Ser). The proline residue is moderately conserved and there is a moderate physicochemical difference between proline and serine. This variant is not present in population databases (ExAC no frequency). In summary, the available evidence is currently insufficient to determine the role of this variant in disease. Therefore, it has been classified as a Variant of Uncertain Significance. Algorithms developed to predict the effect of missense changes on protein structure and function output the following: SIFT: "Tolerated"; PolyPhen-2: "Benign"; Align-GVGD: "Class C0". The serine amino acid residue is found in multiple mammalian species, suggesting that this missense change does not adversely affect protein function. These predictions have not been confirmed by published functional studies and their clinical significance is uncertain. This variant has not been reported in the literature in individuals with BSCL2-related conditions.

NM_001122955.4(BSCL2):c.1075C>T (p.Pro359Ser)

Genes: BSCL2 (BSCL2 lipid droplet biogenesis associated, seipin; minus strand), HNRNPUL2-BSCL2 (HNRNPUL2-BSCL2 readthrough (NMD candidate); minus strand). Cytogenetic location: 11q12.3.
Variant type: single nucleotide variant.
Coding change: c.1075C>T on transcript NM_001122955.4 (MANE Select); coding-DNA position 1075, C replaced by T.
Protein change: p.Pro359Ser; replaces proline 359 with serine.
Molecular consequence: missense variant. On other transcripts: non-coding transcript variant (1), synonymous variant (1).
Genome position (GRCh38, 1-based): chr11:62,690,865, G>A on the plus strand (C>T on the coding strand, the complement: BSCL2 is on the minus strand). VCF-style: chr11-62690865-G-A. GRCh37 (hg19) VCF-style: chr11-62458337-G-A.
Other names: c.741C>T, p.Gly247= (NM_001130702.2); c.1081C>T, p.Pro361Ser (NM_001386027.1); c.1075C>T, p.Pro359Ser (NM_001386028.1); c.883C>T, p.Pro295Ser (NM_032667.6); short protein forms P295S, P361S, P359S.
Identifiers: ClinVar variation 1460995 (VCV001460995.9), dbSNP rs2134690233, ClinGen allele CA380957413.